The following is an entry in ClinVar:

NM_002894.3(RBBP8):c.1939+3G>T

Gene: RBBP8 (RB binding protein 8, endonuclease; plus strand). Cytogenetic location: 18q11.2.
Variant type: single nucleotide variant.
Coding change: c.1939+3G>T on transcript NM_002894.3 (MANE Select); 3 bases into the intron after coding-DNA position 1939, G replaced by T.
Molecular consequence: intron variant.
Genome position (GRCh38, 1-based): chr18:22,993,850, G>T. VCF-style: chr18-22993850-G-T. GRCh37 (hg19) VCF-style: chr18-20573813-G-T.
Other names: c.1939+3G>T (NM_203292.2, NM_203291.2).
Identifiers: ClinVar variation 2228400 (VCV002228400.2), dbSNP rs764002455, ClinGen allele CA297051871.

ClinVar aggregate classification (germline): Uncertain significance (1 of 4 stars; one submission).

Conditions:
Inborn genetic diseases. Identifiers: MedGen C0950123, MeSH D030342.

Allele frequency attached by ClinVar (database versions not stated): TOPMed below 0.00001.
gnomAD v4.1: 19 of 1,612,092 alleles (0.0012%); highest among the groups gnomAD compares: Non-Finnish European, 0.0014%; no homozygotes.

Submission:

Ambry Genetics
Classification: Uncertain significance for Inborn genetic diseases. Last evaluated: 2020-12-29. Review status: criteria provided, single submitter. Criteria: Ambry Variant Classification Scheme 2023. Collection method: clinical testing. Allele origin: germline.
Comment: The c.1939+3G>T intronic alteration consists of a G to T substitution 3 nucleotides after exon 12 (coding exon 11) of the RBBP8 gene. Based on insufficient or conflicting evidence, the clinical significance of this alteration remains unclear.